The following is an entry in ClinVar:

ClinVar aggregate classification (germline): Uncertain significance (1 of 4 stars; one submission).

Conditions:
Telangiectasia, hereditary hemorrhagic, type 2 (HHT2). Also called: ACVRL1-Related Hereditary Hemorrhagic Telangiectasia; Telangiectasia, hereditary hemorrhagic, type II. Identifiers: Orphanet 774, MedGen C1838163, MONDO:0010880, OMIM 600376. Disease mechanism: loss of function.

Submission:

Labcorp Genetics (formerly Invitae), Labcorp
Classification: Uncertain significance for Telangiectasia, hereditary hemorrhagic, type 2. Last evaluated: 2025-05-08. Review status: criteria provided, single submitter. Criteria: Invitae Variant Classification Sherloc (09022015). Collection method: clinical testing. Allele origin: germline.
Comment: This sequence change replaces glutamic acid, which is acidic and polar, with lysine, which is basic and polar, at codon 242 of the ACVRL1 protein (p.Glu242Lys). This variant is not present in population databases (gnomAD no frequency). This variant has not been reported in the literature in individuals affected with ACVRL1-related conditions. Invitae Evidence Modeling of protein sequence and biophysical properties (such as structural, functional, and spatial information, amino acid conservation, physicochemical variation, residue mobility, and thermodynamic stability) indicates that this missense variant is expected to disrupt ACVRL1 protein function with a positive predictive value of 95%. In summary, the available evidence is currently insufficient to determine the role of this variant in disease. Therefore, it has been classified as a Variant of Uncertain Significance.

NM_000020.3(ACVRL1):c.724G>A (p.Glu242Lys)

Gene: ACVRL1 (activin A receptor like type 1; plus strand). Cytogenetic location: 12q13.13.
Variant type: single nucleotide variant.
Coding change: c.724G>A on transcript NM_000020.3 (MANE Select); coding-DNA position 724, G replaced by A.
Protein change: p.Glu242Lys; replaces glutamic acid 242 with lysine.
Molecular consequence: missense variant.
Genome position (GRCh38, 1-based): chr12:51,914,537, G>A. VCF-style: chr12-51914537-G-A. GRCh37 (hg19) VCF-style: chr12-52308321-G-A.
Other names: c.724G>A, p.Glu242Lys (NM_001077401.2, NM_001406487.1, NM_001406488.1 and 1 more transcripts); c.412G>A, p.Glu138Lys (NM_001406490.1, NM_001406491.1, NM_001406492.1 and 2 more transcripts); c.160G>A, p.Glu54Lys (NM_001406495.1); short protein forms E138K, E242K, E54K.
Identifiers: ClinVar variation 4801297 (VCV004801297.1).
Genomic context (GRCh38, chr12:51,914,537, plus strand): 5'-CACGGTGAGAGTGTGGCCGTCAAGATCTTCTCCTCGAGGGATGAACAGTCCTGGTTCCGG[G>A]AGACTGAGATCTATAACACAGTGTTGCTCAGACACGACAACATCCTAGGCAAGGGGAGAG-3'
Protein context (NP_000011.2, residues 232-252): SSRDEQSWFR[Glu242Lys]TEIYNTVLLR